The following is an entry in ClinVar:

NM_000168.6(GLI3):c.2264C>T (p.Ser755Phe)

Gene: GLI3 (GLI family zinc finger 3; minus strand). Cytogenetic location: 7p14.1.
Variant type: single nucleotide variant.
Coding change: c.2264C>T on transcript NM_000168.6 (MANE Select); coding-DNA position 2264, C replaced by T.
Protein change: p.Ser755Phe; replaces serine 755 with phenylalanine.
Molecular consequence: missense variant.
Genome position (GRCh38, 1-based): chr7:41,967,763, G>A on the plus strand (C>T on the coding strand, the complement: GLI3 is on the minus strand). VCF-style: chr7-41967763-G-A. GRCh37 (hg19) VCF-style: chr7-42007361-G-A.
Other names: c.2264C>T (NM_000168.5); short protein forms S755F.
Identifiers: ClinVar variation 2941939 (VCV002941939.4), dbSNP rs2128707109, ClinGen allele CA367321450.

ClinVar aggregate classification (germline): Uncertain significance. Review status: criteria provided, multiple submitters, no conflicts (2 of 4 stars). 2 submissions from 2 submitters: Uncertain significance (2). Last evaluated 2024-11-15.

Conditions:
Pallister-Hall syndrome (PHS). Also called: HYPOTHALAMIC HAMARTOBLASTOMA, HYPOPITUITARISM, IMPERFORATE ANUS, AND POSTAXIAL POLYDACTYLY; GLI3-Related Pallister-Hall Syndrome. Identifiers: Orphanet 672, MedGen C0265220, MONDO:0007804, OMIM 146510.
Greig cephalopolysyndactyly syndrome (GCPS). Also called: POLYSYNDACTYLY WITH PECULIAR SKULL SHAPE; Greig syndrome; GLI3-Related Greig Cephalopolysyndactyly Syndrome. Identifiers: Orphanet 380, MedGen C0265306, MONDO:0008287, OMIM 175700.

Submissions (2):

GeneDx
Classification: Uncertain significance. Last evaluated: 2024-11-15. Review status: criteria provided, single submitter. Criteria: GeneDx Variant Classification Process June 2021. Collection method: clinical testing. Allele origin: germline. Affected: yes.
Comment: Not observed at significant frequency in large population cohorts (gnomAD); In silico analysis supports that this missense variant has a deleterious effect on protein structure/function; Has not been previously published as pathogenic or benign to our knowledge

Labcorp Genetics (formerly Invitae), Labcorp
Classification: Uncertain significance for Pallister-Hall syndrome; Greig cephalopolysyndactyly syndrome. Last evaluated: 2022-11-30. Review status: criteria provided, single submitter. Criteria: Invitae Variant Classification Sherloc (09022015). Collection method: clinical testing. Allele origin: germline.
Comment: In summary, the available evidence is currently insufficient to determine the role of this variant in disease. Therefore, it has been classified as a Variant of Uncertain Significance. Advanced modeling of protein sequence and biophysical properties (such as structural, functional, and spatial information, amino acid conservation, physicochemical variation, residue mobility, and thermodynamic stability) performed at Invitae indicates that this missense variant is expected to disrupt GLI3 protein function. This variant has not been reported in the literature in individuals affected with GLI3-related conditions. This variant is not present in population databases (gnomAD no frequency). This sequence change replaces serine, which is neutral and polar, with phenylalanine, which is neutral and non-polar, at codon 755 of the GLI3 protein (p.Ser755Phe).